The following is an entry in ClinVar:

ClinVar aggregate classification (germline): Benign/Likely benign. Review status: criteria provided, multiple submitters, no conflicts (2 of 4 stars). 2 submissions from 2 submitters: Benign (1); Likely benign (1). Last evaluated 2025-10-14.

Conditions:
Von Hippel-Lindau syndrome (VHLS). Also called: VHL syndrome; Von Hippel-Lindau; von Hippel–Lindau syndrome. Identifiers: Orphanet 892, MedGen C0019562, MONDO:0008667, OMIM 193300. Disease mechanism: loss of function.

gnomAD v4.1: 36 of 1,536,612 alleles (0.0023%); highest among the groups gnomAD compares: South Asian, 0.04%; no homozygotes.

Submissions (2):

Color Diagnostics, LLC DBA Color Health
Classification: Benign for Von Hippel-Lindau syndrome. Last evaluated: 2025-10-14. Review status: criteria provided, single submitter. Criteria: ACMG Guidelines, 2015. Collection method: clinical testing. Allele origin: germline.

Myriad Genetics, Inc.
Classification: Likely benign for Von Hippel-Lindau syndrome. Last evaluated: 2024-08-07. Review status: criteria provided, single submitter. Criteria: Myriad Autosomal Dominant, Autosomal Recessive and X-Linked Classification Criteria (2023). Collection method: clinical testing. Allele origin: unknown.
Comment: This variant is considered likely benign. This variant has been observed at a population frequency that is significantly greater than expected given the associated disease prevalence and penetrance.

NM_000551.4(VHL):c.-11T>C

Gene: VHL (von Hippel-Lindau tumor suppressor; plus strand). Cytogenetic location: 3p25.3.
Variant type: single nucleotide variant.
Coding change: c.-11T>C on transcript NM_000551.4 (MANE Select); 11 bases upstream of the start codon, T replaced by C.
Molecular consequence: 5 prime UTR variant. On other transcripts: non-coding transcript variant (1).
Genome position (GRCh38, 1-based): chr3:10,141,837, T>C. VCF-style: chr3-10141837-T-C. GRCh37 (hg19) VCF-style: chr3-10183521-T-C.
Other names: c.-11T>C (NM_001354723.2, NM_198156.3).
Identifiers: ClinVar variation 3379030 (VCV003379030.2).